The following is an entry in ClinVar:

ClinVar aggregate classification (germline): Uncertain significance (1 of 4 stars; one submission).

Conditions:
Primary ciliary dyskinesia. Also called: Ciliary dyskinesia. Identifiers: Orphanet 244, MedGen C0008780, MONDO:0016575, HP:0012265.

gnomAD v4.1: 1 of 1,548,394 alleles (0.000065%); highest among the groups gnomAD compares: Non-Finnish European, 0.000087%; no homozygotes.

Submission:

Labcorp Genetics (formerly Invitae), Labcorp
Classification: Uncertain significance for Primary ciliary dyskinesia. Last evaluated: 2024-03-30. Review status: criteria provided, single submitter. Criteria: Invitae Variant Classification Sherloc (09022015). Collection method: clinical testing. Allele origin: germline.
Comment: This sequence change replaces arginine, which is basic and polar, with cysteine, which is neutral and slightly polar, at codon 2502 of the DNAH5 protein (p.Arg2502Cys). This variant is not present in population databases (gnomAD no frequency). This variant has not been reported in the literature in individuals affected with DNAH5-related conditions. Advanced modeling of protein sequence and biophysical properties (such as structural, functional, and spatial information, amino acid conservation, physicochemical variation, residue mobility, and thermodynamic stability) performed at Invitae indicates that this missense variant is not expected to disrupt DNAH5 protein function with a negative predictive value of 95%. In summary, the available evidence is currently insufficient to determine the role of this variant in disease. Therefore, it has been classified as a Variant of Uncertain Significance.

NM_001369.3(DNAH5):c.7504C>T (p.Arg2502Cys)

Gene: DNAH5 (dynein axonemal heavy chain 5; minus strand). Cytogenetic location: 5p15.2.
Variant type: single nucleotide variant.
Coding change: c.7504C>T on transcript NM_001369.3 (MANE Select); coding-DNA position 7504, C replaced by T.
Protein change: p.Arg2502Cys; replaces arginine 2502 with cysteine.
Molecular consequence: missense variant.
Genome position (GRCh38, 1-based): chr5:13,810,164, G>A on the plus strand (C>T on the coding strand, the complement: DNAH5 is on the minus strand). VCF-style: chr5-13810164-G-A. GRCh37 (hg19) VCF-style: chr5-13810273-G-A.
Other names: short protein forms R2502C.
Identifiers: ClinVar variation 3636922 (VCV003636922.2).